The following is an entry in ClinVar:

ClinVar aggregate classification (germline): Uncertain significance (1 of 4 stars; one submission).

Allele frequency attached by ClinVar (database versions not stated): TOPMed below 0.00001.

Submission:

Women's Health and Genetics/Laboratory Corporation of America, LabCorp
Classification: Uncertain significance. Last evaluated: 2023-06-09. Review status: criteria provided, single submitter. Criteria: LabCorp Variant Classification Summary - May 2015. Collection method: clinical testing. Allele origin: germline.
Comment: Variant summary: RMRP n.18_19insA alters a nucleotide in the non-coding RNA. The variant allele was found at a frequency of 1.5e-05 in 129526 control chromosomes (gnomAD). The available data on variant occurrences in the general population are insufficient to allow any conclusion about variant significance. n.18_19insA has been reported in the literature in one individual affected with Cartilage-Hair Hypoplasia (Castilla-Cortazar_2017). These data do not allow any conclusion about variant significance. To our knowledge, no experimental evidence demonstrating an impact on function has been reported. The following publication has been ascertained in the context of this evaluation (PMID: 27862957). No clinical diagnostic laboratories have submitted clinical-significance assessments for this variant to ClinVar after 2014. Based on the evidence outlined above, the variant was classified as uncertain significance.

Literature cited by the submitters: PubMed 27862957.

NR_003051.4(RMRP):n.19_20insA

Gene: RMRP (RNA component of mitochondrial RNA processing endoribonuclease; minus strand). Cytogenetic location: 9p13.3.
Variant type: Insertion.
Genome position: GRCh38 VCF-style: chr9-35658000-C-CT. GRCh37 (hg19) VCF-style: chr9-35657997-C-CT.
Identifiers: ClinVar variation 2573358 (VCV002573358.1), dbSNP rs1461312316, ClinGen allele CA587570178.